The following is an entry in ClinVar:

ClinVar aggregate classification (germline): Likely pathogenic (1 of 4 stars; one submission).

Conditions:
APOA5-related disorder. Also called: APOA5-related condition.

Submission:

PreventionGenetics, part of Exact Sciences
Classification: Likely pathogenic for APOA5-related condition. Last evaluated: 2026-06-07. Review status: criteria provided, single submitter. Criteria: ACMG Guidelines, 2015. Collection method: clinical testing. Allele origin: germline.
Comment: The APOA5 c.828delG variant is predicted to result in a frameshift and premature protein termination (p.Met276Ilefs*21). This variant has been reported in study of individuals with hypertriglyceridemia (Table S2, Deshotels et al. 2022. PubMed ID: 36325899). This variant is reported in 0.00088% of alleles in individuals of European (Non-Finnish) descent in gnomAD. Frameshift variants in APOA5 are expected to be pathogenic. This variant is interpreted as likely pathogenic.

NM_001371904.1(APOA5):c.828del (p.Met276fs)

Gene: APOA5 (apolipoprotein A5; minus strand). Cytogenetic location: 11q23.3.
Variant type: Deletion.
Coding change: c.828del on transcript NM_001371904.1 (MANE Select); coding-DNA position 828, one base deleted (G; older notation c.828delG).
Protein change: p.Met276fs; shifts the reading frame from methionine 276.
Molecular consequence: frameshift variant.
Genome position (GRCh38, 1-based): chr11:116,790,401, C deleted on the plus strand (G on the coding strand, the reverse complement: APOA5 is on the minus strand). VCF-style (leftmost placement, unchanged base first): chr11-116790400-GC-G. GRCh37 (hg19) VCF-style: chr11-116661116-GC-G.
Other names: c.828del, p.Met276fs (NM_001166598.2, NM_052968.5); short protein forms M276fs.
Identifiers: ClinVar variation 4995696 (VCV004995696.1).
Genomic context (GRCh38, chr11:116,790,400, plus strand): 5'-CTATCTGCAGGTAGGTGTCCTGGCGGAAAGCCTGAAGTCGCTGGCGCACCTCCTCGGAGA[GC>G]ATCTGGGGGTCCGGGCCGGCCCCTTCCTCAGTCCCAGTGCCTGCAAAGGCTCTGCTGAGC-3'